The following is an entry in ClinVar:

NM_201384.3(PLEC):c.6754C>T (p.Arg2252Cys)

Gene: PLEC (plectin; minus strand). Cytogenetic location: 8q24.3.
Variant type: single nucleotide variant.
Coding change: c.6754C>T on transcript NM_201384.3 (MANE Select); coding-DNA position 6754, C replaced by T.
Protein change: p.Arg2252Cys; replaces arginine 2252 with cysteine.
Molecular consequence: missense variant.
Genome position (GRCh38, 1-based): chr8:143,923,175, G>A on the plus strand (C>T on the coding strand, the complement: PLEC is on the minus strand). VCF-style: chr8-143923175-G-A. GRCh37 (hg19) VCF-style: chr8-144997343-G-A.
Other names: c.6835C>T, p.Arg2279Cys (NM_000445.5); c.6712C>T, p.Arg2238Cys (NM_201378.4); c.6688C>T, p.Arg2230Cys (NM_201379.3); c.7165C>T, p.Arg2389Cys (NM_201380.4); c.6658C>T, p.Arg2220Cys (NM_201381.3); c.6754C>T, p.Arg2252Cys (NM_201382.4); c.6766C>T, p.Arg2256Cys (NM_201383.3); short protein forms R2220C, R2230C, R2238C, R2252C, R2256C, R2279C, R2389C.
Identifiers: ClinVar variation 1023972 (VCV001023972.6), dbSNP rs782530517, ClinGen allele CA4925876.

ClinVar aggregate classification (germline): Uncertain significance. Review status: criteria provided, multiple submitters, no conflicts (2 of 4 stars). 2 submissions from 2 submitters: Uncertain significance (2). Last evaluated 2025-02-20.

Conditions:
Epidermolysis bullosa simplex with nail dystrophy (EBS5D). Identifiers: MedGen C4225309, MONDO:0014661, OMIM 616487.
Epidermolysis bullosa simplex 5B, with muscular dystrophy (EBS5B). Also called: EPIDERMOLYSIS BULLOSA SIMPLEX AND LIMB-GIRDLE MUSCULAR DYSTROPHY; Epidermolysis bullosa simplex with muscular dystrophy. Identifiers: Orphanet 257, MedGen C2931072, MONDO:0009181, OMIM 226670.
Epidermolysis bullosa simplex, Ogna type (EBS5A). Also called: Pidermolysis bullosa simplex 5A, Ogna type; EPIDERMOLYSIS BULLOSA SIMPLEX 5A, OGNA TYPE. Identifiers: Orphanet 79401, MedGen C0432317, MONDO:0007555, OMIM 131950.
Epidermolysis bullosa simplex 5C, with pyloric atresia (EBS5C). Also called: PLEC-Related Epidermolysis Bullosa with Pyloric Atresia; Epidermolysis bullosa simplex with pyloric atresia; PLEC1-Related Epidermolysis Bullosa with Pyloric Atresia. Identifiers: Orphanet 158684, MedGen C2677349, MONDO:0012807, OMIM 612138.
Autosomal recessive limb-girdle muscular dystrophy type 2Q (LGMDR17). Also called: MUSCULAR DYSTROPHY, LIMB-GIRDLE, AUTOSOMAL RECESSIVE 17. Identifiers: Orphanet 254361, MedGen C3150989, MONDO:0013390, OMIM 613723.

Allele frequency attached by ClinVar (database versions not stated): gnomAD 0.00001; TOPMed 0.00001; ExAC 0.00002; gnomAD exomes 0.00002.
gnomAD v4.1: 47 of 1,602,402 alleles (0.0029%); highest among the groups gnomAD compares: African/African-American, 0.0053%; no homozygotes.

Submissions (2):

Labcorp Genetics (formerly Invitae), Labcorp
Classification: Uncertain significance for Autosomal recessive limb-girdle muscular dystrophy type 2Q; Epidermolysis bullosa simplex, Ogna type; Epidermolysis bullosa simplex with nail dystrophy; Epidermolysis bullosa simplex 5C, with pyloric atresia; Epidermolysis bullosa simplex 5B, with muscular dystrophy. Last evaluated: 2025-02-20. Review status: criteria provided, single submitter. Criteria: Invitae Variant Classification Sherloc (09022015). Collection method: clinical testing. Allele origin: germline.
Comment: This sequence change replaces arginine, which is basic and polar, with cysteine, which is neutral and slightly polar, at codon 2279 of the PLEC protein (p.Arg2279Cys). This variant is present in population databases (rs782530517, gnomAD 0.003%). This variant has not been reported in the literature in individuals affected with PLEC-related conditions. ClinVar contains an entry for this variant (Variation ID: 1023972). An algorithm developed to predict the effect of missense changes on protein structure and function (PolyPhen-2) suggests that this variant is likely to be disruptive. In summary, the available evidence is currently insufficient to determine the role of this variant in disease. Therefore, it has been classified as a Variant of Uncertain Significance.

Athena Diagnostics
Classification: Uncertain significance. Last evaluated: 2021-03-30. Review status: criteria provided, single submitter. Criteria: Athena Diagnostics criteria. Collection method: clinical testing. Allele origin: unknown.